The following is an entry in ClinVar:

NM_000375.3(UROS):c.244G>T (p.Val82Phe)

Gene: UROS (uroporphyrinogen III synthase; minus strand). Cytogenetic location: 10q26.2.
Variant type: single nucleotide variant.
Coding change: c.244G>T on transcript NM_000375.3 (MANE Select); coding-DNA position 244, G replaced by T.
Protein change: p.Val82Phe; replaces valine 82 with phenylalanine.
Molecular consequence: missense variant. On other transcripts: non-coding transcript variant (2).
Genome position (GRCh38, 1-based): chr10:125,815,034, C>A on the plus strand (G>T on the coding strand, the complement: UROS is on the minus strand). VCF-style: chr10-125815034-C-A. GRCh37 (hg19) VCF-style: chr10-127503603-C-A.
Other names: p.Val82Phe; c.244G>T, p.Val82Phe (NM_001324036.2, NM_001324037.2, NM_001324038.2 and 1 more transcripts); short protein forms V82F.
Identifiers: ClinVar variation 3758 (VCV000003758.11), dbSNP rs121908016, ClinGen allele CA340120.
Genomic context (GRCh38, chr10:125,815,034, plus strand): 5'-CAGCAGGAGAAATAAGAGTAAATAAATGTCCAGTGGAATCCACAGCAGACCCACCCTCAC[C>A]TTCAGTTTTATTGTTTTGCTCCAAACATAACTCTGCTGCTTCCACTGCTCTGGGGCTGGT-3'
Protein context (NP_000366.1, residues 72-92): LCLEQNNKTE[Val82Phe]WERSLKEKWN

ClinVar aggregate classification (germline): Conflicting classifications of pathogenicity. Review status: criteria provided, conflicting classifications (1 of 4 stars). 4 submissions from 4 submitters: Likely pathogenic (1); Uncertain significance (1). 2 of the submissions do not count toward it. Last evaluated 2026-01-28.

Conditions:
Congenital erythropoietic porphyria. Also called: UROPORPHYRINOGEN III SYNTHASE DEFICIENCY; Porphyria, Erythropoietic; Congenital porphyria; Günther disease; Uroporphyrinogen III synthase, deficiency of; Cutaneous porphyria. Identifiers: Orphanet 79277, MedGen C5886774, MONDO:0009902, OMIM 263700.

Allele frequency attached by ClinVar (database versions not stated): gnomAD exomes 0.00002 and 0.00001; gnomAD 0.00001 and 0.00002; ExAC 0.00002; 1000 Genomes Project 30x 0.00016; 1000 Genomes Project 0.00020.

Submissions (4):

Labcorp Genetics (formerly Invitae), Labcorp
Classification: Likely pathogenic. Last evaluated: 2026-01-28. Review status: criteria provided, single submitter. Criteria: Invitae Variant Classification Sherloc (09022015). Collection method: clinical testing. Allele origin: germline.
Comment: This sequence change replaces valine, which is neutral and non-polar, with phenylalanine, which is neutral and non-polar, at codon 82 of the UROS protein (p.Val82Phe). RNA analysis indicates that this missense change induces altered splicing and may result in an absent or altered protein product. This variant is present in population databases (rs121908016, gnomAD 0.003%). This missense change has been observed in individual(s) with congenital erythropoietic porphyria (PMID: 7860775). ClinVar contains an entry for this variant (Variation ID: 3758). Invitae Evidence Modeling of protein sequence and biophysical properties (such as structural, functional, and spatial information, amino acid conservation, physicochemical variation, residue mobility, and thermodynamic stability) indicates that this missense variant is not expected to disrupt UROS protein function with a negative predictive value of 95%. Experimental studies have shown that this missense change affects UROS function (PMID: 7860775). Variants that disrupt the consensus splice site are a relatively common cause of aberrant splicing (PMID: 17576681, 9536098). Studies have shown that this missense change results in skipping of exon 4, and produces a non-functional protein and/or introduces a premature termination codon (PMID: 7860775). In summary, the currently available evidence indicates that the variant is pathogenic, but additional data are needed to prove that conclusively. Therefore, this variant has been classified as Likely Pathogenic.

Mayo Clinic Laboratories, Mayo Clinic
Classification: Uncertain significance. Last evaluated: 2022-06-22. Review status: criteria provided, single submitter. Criteria: ACMG Guidelines, 2015. Collection method: clinical testing. Allele origin: germline. Observed: 1 variant allele.
Comment: PP3, PM2, PM3_supporting, PS3_supporting

OMIM
Classification: Pathogenic for PORPHYRIA, CONGENITAL ERYTHROPOIETIC. Last evaluated: 1995-02-01. Review status: no assertion criteria provided. Collection method: literature only. Allele origin: germline. Not counted in ClinVar's aggregate classification.

GeneReviews
No classification provided. Condition: Congenital erythropoietic porphyria. Review status: no classification provided. Collection method: literature only. Allele origin: germline. Not counted in ClinVar's aggregate classification.

Literature cited by the submitters: PubMed 7860775 (cited by 3 submitters); PubMed 17576681 (cited by Labcorp Genetics (formerly Invitae), Labcorp); PubMed 9536098 (cited by Labcorp Genetics (formerly Invitae), Labcorp); PubMed 19099412 (cited by Mayo Clinic Laboratories, Mayo Clinic); PubMed 22816431 (cited by Mayo Clinic Laboratories, Mayo Clinic); PubMed 8829650 (cited by Mayo Clinic Laboratories, Mayo Clinic); NCBI Bookshelf NBK154652 (cited by GeneReviews).